The following is an entry in ClinVar:

ClinVar aggregate classification (germline): Benign/Likely benign. Review status: criteria provided, multiple submitters, no conflicts (2 of 4 stars). 3 submissions from 3 submitters: Benign (1); Likely benign (2). Last evaluated 2026-02-01.

Allele frequency attached by ClinVar (database versions not stated): gnomAD 0.00025 and 0.00036; gnomAD exomes 0.00027 and 0.00086; ExAC 0.00095; TOPMed 0.00112; 1000 Genomes Project 30x 0.00125; 1000 Genomes Project 0.00140.
gnomAD v4.1: 470 of 1,469,716 alleles (0.032%); highest among the groups gnomAD compares: East Asian, 0.91%; no homozygotes.

Submissions (3):

CeGaT Center for Human Genetics Tuebingen
Classification: Likely benign. Last evaluated: 2026-02-01. Review status: criteria provided, single submitter. Criteria: CeGaT Center For Human Genetics Tuebingen Variant Classification Criteria Version 2. Collection method: clinical testing. Allele origin: germline. Affected: yes. Observed: 1 variant allele.
Comment: CCDC88A: BP4, BP7

Labcorp Genetics (formerly Invitae), Labcorp
Classification: Benign. Last evaluated: 2025-12-30. Review status: criteria provided, single submitter. Criteria: Invitae Variant Classification Sherloc (09022015). Collection method: clinical testing. Allele origin: germline.

Blueprint Genetics
Classification: Likely benign. Last evaluated: 2024-10-28. Review status: criteria provided, single submitter. Criteria: ACMG Guidelines, 2015. Collection method: clinical testing. Allele origin: germline.

NM_001365480.1(CCDC88A):c.3603T>G (p.Arg1201=)

Gene: CCDC88A (coiled-coil and HOOK domain protein 88A; minus strand). Cytogenetic location: 2p16.1.
Variant type: single nucleotide variant.
Coding change: c.3603T>G on transcript NM_001365480.1 (MANE Select); coding-DNA position 3603, T replaced by G.
Protein change: p.Arg1201=; no amino-acid change (arginine 1201 retained).
Molecular consequence: synonymous variant.
Genome position (GRCh38, 1-based): chr2:55,317,349, A>C on the plus strand (T>G on the coding strand, the complement: CCDC88A is on the minus strand). VCF-style: chr2-55317349-A-C. GRCh37 (hg19) VCF-style: chr2-55544485-A-C.
Other names: c.3600T>G, p.Arg1200= (NM_001135597.2, NM_001254943.2); c.3603T>G, p.Arg1201= (NM_018084.5).
Identifiers: ClinVar variation 779866 (VCV000779866.16), dbSNP rs141894355, ClinGen allele CA1665720.